The following is an entry in ClinVar:

ClinVar aggregate classification (germline): Conflicting classifications of pathogenicity. Review status: criteria provided, conflicting classifications (1 of 4 stars). 2 submissions from 2 submitters: Uncertain significance (1); Likely benign (1). Last evaluated 2024-07-27.

Conditions:
Hereditary sensory and autonomic neuropathy with spastic paraplegia (HSNSP). Identifiers: Orphanet 139578, MedGen C1850395, MONDO:0009748, OMIM 256840.

Allele frequency attached by ClinVar (database versions not stated): gnomAD 0.00001 and 0.00002; gnomAD exomes 0.00001.

Submissions (2):

Ambry Genetics
Classification: Likely benign. Last evaluated: 2024-07-27. Review status: criteria provided, single submitter. Criteria: Ambry Variant Classification Scheme 2023. Collection method: clinical testing. Allele origin: germline.

Labcorp Genetics (formerly Invitae), Labcorp
Classification: Uncertain significance for Hereditary sensory and autonomic neuropathy with spastic paraplegia. Last evaluated: 2024-03-14. Review status: criteria provided, single submitter. Criteria: Invitae Variant Classification Sherloc (09022015). Collection method: clinical testing. Allele origin: germline.
Comment: This sequence change replaces methionine, which is neutral and non-polar, with valine, which is neutral and non-polar, at codon 4 of the CCT5 protein (p.Met4Val). This variant is present in population databases (no rsID available, gnomAD 0.006%). This variant has not been reported in the literature in individuals affected with CCT5-related conditions. ClinVar contains an entry for this variant (Variation ID: 1402611). Algorithms developed to predict the effect of missense changes on protein structure and function output the following: SIFT: "Not Available"; PolyPhen-2: "Not Available"; Align-GVGD: "Not Available". The valine amino acid residue is found in multiple mammalian species, which suggests that this missense change does not adversely affect protein function. In summary, the available evidence is currently insufficient to determine the role of this variant in disease. Therefore, it has been classified as a Variant of Uncertain Significance.

NM_012073.5(CCT5):c.10A>G (p.Met4Val)

Gene: CCT5 (chaperonin containing TCP1 subunit 5; plus strand). Cytogenetic location: 5p15.2.
Variant type: single nucleotide variant.
Coding change: c.10A>G on transcript NM_012073.5 (MANE Select); coding-DNA position 10, A replaced by G.
Protein change: p.Met4Val; replaces methionine 4 with valine.
Molecular consequence: missense variant. On other transcripts: intron variant (1).
Genome position (GRCh38, 1-based): chr5:10,250,350, A>G. VCF-style: chr5-10250350-A-G. GRCh37 (hg19) VCF-style: chr5-10250462-A-G.
Other names: c.10A>G, p.Met4Val (NM_001306154.2); c.42+305A>G (NM_001306153.1); c.10A>G (NM_012073.3); short protein forms M4V.
Identifiers: ClinVar variation 1402611 (VCV001402611.7), dbSNP rs1281493996, ClinGen allele CA359179055.